The following is an entry in ClinVar:

NM_016343.4(CENPF):c.4986+1G>T

Gene: CENPF (centromere protein F; plus strand). Cytogenetic location: 1q41.
Variant type: single nucleotide variant.
Coding change: c.4986+1G>T on transcript NM_016343.4 (MANE Select); the canonical splice donor site of the intron after coding-DNA position 4986, G replaced by T.
Molecular consequence: splice donor variant.
Genome position (GRCh38, 1-based): chr1:214,643,325, G>T. VCF-style: chr1-214643325-G-T. GRCh37 (hg19) VCF-style: chr1-214816668-G-T.
Identifiers: ClinVar variation 592054 (VCV000592054.2), dbSNP rs1558184644, ClinGen allele CA344837724.

ClinVar aggregate classification (germline): Pathogenic. Review status: criteria provided, single submitter (1 of 4 stars). 2 submissions from 2 submitters: Pathogenic (1). 1 of the submissions does not count toward it. Last evaluated 2025-07-09.

Submissions (2):

GeneDx
Classification: Pathogenic. Last evaluated: 2025-07-09. Review status: criteria provided, single submitter. Criteria: GeneDx Variant Classification Process June 2021. Collection method: clinical testing. Allele origin: germline. Affected: yes.
Comment: Canonical splice site variant predicted to result in a null allele in a gene for which loss of function is a known mechanism of disease; Not observed at significant frequency in large population cohorts (gnomAD); Has not been previously published as pathogenic or benign to our knowledge

Gharavi Laboratory, Columbia University
Classification: Uncertain significance. Last evaluated: 2018-09-16. Review status: no assertion criteria provided. Criteria: ACMG Guidelines, 2015. Collection method: research. Allele origin: germline. Affected: yes. Not counted in ClinVar's aggregate classification.